The following is an entry in ClinVar:

NM_003200.5(TCF3):c.664C>T (p.His222Tyr)

Gene: TCF3 (transcription factor 3; minus strand). Cytogenetic location: 19p13.3.
Variant type: single nucleotide variant.
Coding change: c.664C>T on transcript NM_003200.5 (MANE Select); coding-DNA position 664, C replaced by T.
Protein change: p.His222Tyr; replaces histidine 222 with tyrosine.
Molecular consequence: missense variant.
Genome position (GRCh38, 1-based): chr19:1,622,212, G>A on the plus strand (C>T on the coding strand, the complement: TCF3 is on the minus strand). VCF-style: chr19-1622212-G-A. GRCh37 (hg19) VCF-style: chr19-1622211-G-A.
Other names: c.664C>T, p.His222Tyr (NM_001136139.4, NM_001351778.2, NM_001351779.2); short protein forms H222Y.
Identifiers: ClinVar variation 2880222 (VCV002880222.3), dbSNP rs1311189821, ClinGen allele CA403055985.

ClinVar aggregate classification (germline): Uncertain significance (1 of 4 stars; one submission).

Allele frequency attached by ClinVar (database versions not stated): gnomAD exomes 0.00001.
gnomAD v4.1: 5 of 1,552,016 alleles (0.00032%); no homozygotes.

Submission:

Labcorp Genetics (formerly Invitae), Labcorp
Classification: Uncertain significance. Last evaluated: 2024-11-11. Review status: criteria provided, single submitter. Criteria: Invitae Variant Classification Sherloc (09022015). Collection method: clinical testing. Allele origin: germline.
Comment: This sequence change replaces histidine, which is basic and polar, with tyrosine, which is neutral and polar, at codon 222 of the TCF3 protein (p.His222Tyr). The frequency data for this variant in the population databases is considered unreliable, as metrics indicate poor data quality at this position in the gnomAD database. This variant has not been reported in the literature in individuals affected with TCF3-related conditions. ClinVar contains an entry for this variant (Variation ID: 2880222). Invitae Evidence Modeling of protein sequence and biophysical properties (such as structural, functional, and spatial information, amino acid conservation, physicochemical variation, residue mobility, and thermodynamic stability) indicates that this missense variant is expected to disrupt TCF3 protein function with a positive predictive value of 80%. In summary, the available evidence is currently insufficient to determine the role of this variant in disease. Therefore, it has been classified as a Variant of Uncertain Significance.